The following is an entry in ClinVar:

NM_001267550.2(TTN):c.51056G>C (p.Arg17019Pro)

Genes: TTN (titin; minus strand), TTN-AS1 (TTN antisense RNA 1; plus strand). Cytogenetic location: 2q31.2.
Variant type: single nucleotide variant.
Coding change: c.51056G>C on transcript NM_001267550.2 (MANE Select); coding-DNA position 51056, G replaced by C.
Protein change: p.Arg17019Pro; replaces arginine 17019 with proline.
Molecular consequence: missense variant.
Genome position (GRCh38, 1-based): chr2:178,611,073, C>G on the plus strand (G>C on the coding strand, the complement: TTN is on the minus strand). VCF-style: chr2-178611073-C-G. GRCh37 (hg19) VCF-style: chr2-179475800-C-G.
Other names: c.46133G>C, p.Arg15378Pro (NM_001256850.1); c.23861G>C, p.Arg7954Pro (NM_003319.4); c.43352G>C, p.Arg14451Pro (NM_133378.4); c.24236G>C, p.Arg8079Pro (NM_133432.3); c.24437G>C, p.Arg8146Pro (NM_133437.4); short protein forms R17019P, R8146P, R7954P, R14451P, R15378P, R8079P.
Identifiers: ClinVar variation 4992260 (VCV004992260.1).

ClinVar aggregate classification (germline): Uncertain significance (1 of 4 stars; one submission).

Conditions:
TTN-related disorder. Also called: TTN-related disorders; TTN-related condition; TTN-related disease.

Submission:

PreventionGenetics, part of Exact Sciences
Classification: Uncertain significance for TTN-related condition. Last evaluated: 2025-09-30. Review status: criteria provided, single submitter. Criteria: ACMG Guidelines, 2015. Collection method: clinical testing. Allele origin: germline.
Comment: The TTN c.51056G>C variant is predicted to result in the amino acid substitution p.Arg17019Pro. To our knowledge, this variant has not been reported in the literature or in a large population database (gnomAD), indicating this variant is rare. At this time, the clinical significance of this variant is uncertain due to the absence of conclusive functional and genetic evidence.